The following is an entry in ClinVar:

NM_020975.6(RET):c.1943T>C (p.Val648Ala)

Gene: RET (ret proto-oncogene; plus strand). Cytogenetic location: 10q11.21.
Variant type: single nucleotide variant.
Coding change: c.1943T>C on transcript NM_020975.6 (MANE Select); coding-DNA position 1943, T replaced by C.
Protein change: p.Val648Ala; replaces valine 648 with alanine.
Molecular consequence: missense variant.
Genome position (GRCh38, 1-based): chr10:43,114,543, T>C. VCF-style: chr10-43114543-T-C. GRCh37 (hg19) VCF-style: chr10-43609991-T-C.
Other names: c.1943T>C, p.Val648Ala (NM_000323.2, NM_001406743.1, NM_001406744.1 and 4 more transcripts); c.1181T>C, p.Val394Ala (NM_001355216.2); c.1505T>C, p.Val502Ala (NM_001406773.1, NM_001406771.1); c.1418T>C, p.Val473Ala (NM_001406774.1); c.1217T>C, p.Val406Ala (NM_001406775.1, NM_001406776.1, NM_001406777.1 and 1 more transcripts); c.1046T>C, p.Val349Ala (NM_001406779.1, NM_001406780.1, NM_001406781.1 and 1 more transcripts); c.494T>C, p.Val165Ala (NM_001406793.1, NM_001406794.1, NM_001406792.1); c.917T>C, p.Val306Ala (NM_001406783.1, NM_001406786.1); and 7 more; short protein forms V648A, V394A, V213A, V318A, V605A, V309A, V502A, V165A.
Identifiers: ClinVar variation 220384 (VCV000220384.9), dbSNP rs864622505, ClinGen allele CA348579.

ClinVar aggregate classification (germline): Uncertain significance. Review status: criteria provided, multiple submitters, no conflicts (2 of 4 stars). 2 submissions from 2 submitters: Uncertain significance (2). Last evaluated 2023-06-02.

Conditions:
Multiple endocrine neoplasia, type 2 (MEN2). Identifiers: Orphanet 653, MedGen C4048306, MONDO:0019003. Disease mechanism: gain of function.

Submissions (2):

GeneDx
Classification: Uncertain significance. Last evaluated: 2023-06-02. Review status: criteria provided, single submitter. Criteria: GeneDx Variant Classification Process June 2021. Collection method: clinical testing. Allele origin: germline. Affected: yes.
Comment: Not observed at significant frequency in large population cohorts (gnomAD); In silico analysis supports that this missense variant does not alter protein structure/function; Has not been previously published as pathogenic or benign to our knowledge; This variant is associated with the following publications: (PMID: 14633923)

Labcorp Genetics (formerly Invitae), Labcorp
Classification: Uncertain significance for Multiple endocrine neoplasia, type 2. Last evaluated: 2015-09-27. Review status: criteria provided, single submitter. Criteria: Invitae Variant Classification Sherloc (09022015). Collection method: clinical testing. Allele origin: germline.
Comment: In summary, this is a novel missense change with uncertain impact on protein function. It has been classified as a Variant of Uncertain Significance. Algorithms developed to predict the effect of missense changes on protein structure and function do not agree on the potential impact of this missense change (SIFT: "Deleterious"; PolyPhen-2: "Benign"; Align-GVGD: "Class C25"). This variant is not present in population databases (ExAC no frequency) and has not been reported in the germline of affected individuals. This sequence change replaces valine with alanine at codon 648 of the RET protein (p.Val648Ala). The valine residue is moderately conserved and there is a small physicochemical difference between valine and alanine.